The following is an entry in ClinVar:

ClinVar aggregate classification (germline): Uncertain significance. Review status: criteria provided, multiple submitters, no conflicts (2 of 4 stars). 2 submissions from 2 submitters: Uncertain significance (2). Last evaluated 2022-10-17.

Allele frequency attached by ClinVar (database versions not stated): gnomAD exomes below 0.00001; gnomAD 0.00001; TOPMed 0.00001.
gnomAD v4.1: 3 of 1,605,812 alleles (0.00019%); highest among the groups gnomAD compares: Non-Finnish European, 0.00025%; no homozygotes.

Submissions (2):

Labcorp Genetics (formerly Invitae), Labcorp
Classification: Uncertain significance. Last evaluated: 2022-10-17. Review status: criteria provided, single submitter. Criteria: Invitae Variant Classification Sherloc (09022015). Collection method: clinical testing. Allele origin: germline.
Comment: Algorithms developed to predict the effect of sequence changes on RNA splicing suggest that this variant may create or strengthen a splice site. In summary, the available evidence is currently insufficient to determine the role of this variant in disease. Therefore, it has been classified as a Variant of Uncertain Significance. ClinVar contains an entry for this variant (Variation ID: 1388405). This variant has not been reported in the literature in individuals affected with COL11A2-related conditions. This variant is not present in population databases (gnomAD no frequency). This sequence change falls in intron 51 of the COL11A2 gene. It does not directly change the encoded amino acid sequence of the COL11A2 protein.

Blueprint Genetics
Classification: Uncertain significance. Last evaluated: 2017-07-04. Review status: criteria provided, single submitter. Criteria: ACMG Guidelines, 2015. Collection method: clinical testing. Allele origin: germline.

NM_080680.3(COL11A2):c.3799-4T>G

Gene: COL11A2 (collagen type XI alpha 2 chain; minus strand). Cytogenetic location: 6p21.32.
Variant type: single nucleotide variant.
Coding change: c.3799-4T>G on transcript NM_080680.3 (MANE Select); 4 bases into the intron before coding-DNA position 3799, T replaced by G.
Molecular consequence: intron variant.
Genome position (GRCh38, 1-based): chr6:33,169,012, A>C on the plus strand (T>G on the coding strand, the complement: COL11A2 is on the minus strand). VCF-style: chr6-33169012-A-C. GRCh37 (hg19) VCF-style: chr6-33136789-A-C.
Other names: c.3478-4T>G (NM_080679.3); c.3541-4T>G (NM_080681.3).
Identifiers: ClinVar variation 1388405 (VCV001388405.7), dbSNP rs1170772773, ClinGen allele CA824015425.